The following is an entry in ClinVar:

ClinVar aggregate classification (germline): Likely pathogenic. Review status: criteria provided, multiple submitters, no conflicts (2 of 4 stars). 3 submissions from 3 submitters: Likely pathogenic (3). Last evaluated 2025-12-22.

Conditions:
CFTR-related disorder (CFTR-RD). Also called: CFTR-related condition; CFTR-related disorders. Identifiers: MedGen C5924204, MONDO:7770004.
Cystic fibrosis (CF). Also called: MUCOVISCIDOSIS. Identifiers: Orphanet 586, MedGen C0010674, MONDO:0009061, OMIM 219700. Disease mechanism: loss of function.

Submissions (3):

Ambry Genetics
Classification: Likely pathogenic for Cystic fibrosis. Last evaluated: 2025-12-22. Review status: criteria provided, single submitter. Criteria: Ambry Variant Classification Scheme 2023. Collection method: clinical testing. Allele origin: germline.
Comment: The c.3000_3014del15 variant (also known as p.V1001_I1005del) is located in coding exon 19 of the CFTR gene and results from an in-frame TGTGATTGGAGCTAT deletion at nucleotide positions 3000 to 3014. This results in the in-frame deletion of five amino acids at codons 1001 to 1005. This variant was not reported in population-based cohorts in the Genome Aggregation Database (gnomAD). This amino acid region is well conserved in available vertebrate species. In addition, this alteration is predicted to be deleterious by in silico analysis (Choi Y et al. PLoS ONE. 2012; 7(10):e46688). Based on the majority of available evidence to date, this variant is likely to be pathogenic.

Natera, Inc.
Classification: Likely pathogenic for CFTR-related disorders. Last evaluated: 2025-06-05. Review status: criteria provided, single submitter. Criteria: Natera Variant Classification Schema (03/2026). Collection method: clinical testing. Allele origin: germline.
Comment: The c.3000_3014delTGTGATTGGAGCTAT variant in CFTR is an in-frame deletion. This variant is rare in the general population with a frequency below the threshold expected for the associated phenotype(s). This variant has been observed in one or more individuals affected with the associated recessive disease, as either homozygous or compound heterozygous with a second variant (PMID: 32089517, 27287722, 31682332). This variant results in a change to the protein length while preserving reading frame, which may disrupt normal protein structure or function. Given the available evidence, this variant is classified as Likely Pathogenic.

Institute of Human Genetics, University of Leipzig Medical Center
Classification: Likely pathogenic for Cystic fibrosis. Last evaluated: 2022-09-05. Review status: criteria provided, single submitter. Criteria: ACMG Guidelines, 2015. Collection method: curation. Allele origin: unknown. Affected: yes. Observed: 5 variant alleles.
Comment: This variant was identified in 5 unrelated patients with a clinically confirmed diagnosis of cystic fibrosis. The variant was classified in the context of a project re-classifying variants in the German Cystic Fibrosis Registry (Muko.e.V.). Criteria applied: PM2_SUP, PM3, PM4, PP4

Literature cited by the submitters: PubMed 27287722 (cited by Ambry Genetics and Natera, Inc.); PubMed 32089517 (cited by Natera, Inc.); PubMed 31682332 (cited by Natera, Inc.).

NM_000492.4(CFTR):c.3000_3014del (p.Val1001_Ile1005del)

Genes: CFTR (CF transmembrane conductance regulator; plus strand), CFTR-AS2 (CFTR antisense RNA 2; minus strand), LOC111674472 (DNase I hypersensitive sites in introns 16 and 17a of CFTR; plus strand). Cytogenetic location: 7q31.2.
Variant type: Deletion.
Coding change: c.3000_3014del on transcript NM_000492.4 (MANE Select); coding-DNA positions 3000 to 3014, 15 bases deleted (TGTGATTGGAGCTAT).
Protein change: p.Val1001_Ile1005del.
Molecular consequence: inframe deletion.
Genome position (GRCh38, 1-based): chr7:117,610,530-117,610,544, TGTGATTGGAGCTAT deleted; deleting any 15 consecutive bases within chr7:117,610,528-117,610,544 gives the same sequence; the c. name uses the placement nearest the transcript's 3' end. VCF-style (leftmost placement, unchanged base first): chr7-117610527-AATTGTGATTGGAGCT-A. GRCh37 (hg19) VCF-style: chr7-117250581-AATTGTGATTGGAGCT-A.
Other names: 3131del15; c.3000_3014del15 (NM_000492.3).
Identifiers: ClinVar variation 1706068 (VCV001706068.5), dbSNP rs2485128924, ClinGen allele CA2579000359.
Genomic context (GRCh38, chr7:117,610,527, plus strand): 5'-CTTTGCAATGTGAAAATGTTTACTCACCAACATGTTTTCTTTGATCTTACAGTTGTTATT[AATTGTGATTGGAGCT>A]ATAGCAGTTGTCGCAGTTTTACAACCCTACATCTTTGTTGCAACAGTGCCAGTGATAGTG-3'